The following is an entry in ClinVar:

ClinVar aggregate classification (germline): Uncertain significance (1 of 4 stars; one submission).

Conditions:
Hereditary cancer-predisposing syndrome. Also called: Neoplastic Syndromes, Hereditary; Tumor predisposition; Hereditary neoplastic syndrome; Hereditary Cancer Syndrome. Identifiers: Orphanet 140162, MedGen C0027672, MeSH D009386, MONDO:0015356.

Submission:

Ambry Genetics
Classification: Uncertain significance for Hereditary cancer-predisposing syndrome. Last evaluated: 2026-07-06. Review status: criteria provided, single submitter. Criteria: Ambry Variant Classification Scheme 2023. Collection method: clinical testing. Allele origin: germline.
Comment: The p.G278D variant (also known as c.833G>A), located in coding exon 3 of the PHOX2B gene, results from a G to A substitution at nucleotide position 833. The glycine at codon 278 is replaced by aspartic acid, an amino acid with similar properties. This amino acid position is conserved. In addition, the in silico prediction for this alteration is inconclusive. Based on the available evidence, the clinical significance of this variant remains unclear.

NM_003924.4(PHOX2B):c.833G>A (p.Gly278Asp)

Gene: PHOX2B (paired like homeobox 2B; minus strand). Cytogenetic location: 4p13.
Variant type: single nucleotide variant.
Coding change: c.833G>A on transcript NM_003924.4 (MANE Select); coding-DNA position 833, G replaced by A.
Protein change: p.Gly278Asp; replaces glycine 278 with aspartic acid.
Molecular consequence: missense variant.
Genome position (GRCh38, 1-based): chr4:41,745,919, C>T on the plus strand (G>A on the coding strand, the complement: PHOX2B is on the minus strand). VCF-style: chr4-41745919-C-T. GRCh37 (hg19) VCF-style: chr4-41747936-C-T.
Other names: short protein forms G278D.
Identifiers: ClinVar variation 5026527 (VCV005026527.1).